The following is an entry in ClinVar:

NM_001365536.1(SCN9A):c.41A>G (p.His14Arg)

Gene: SCN9A (sodium voltage-gated channel alpha subunit 9; minus strand). Cytogenetic location: 2q24.3.
Variant type: single nucleotide variant.
Coding change: c.41A>G on transcript NM_001365536.1 (MANE Select); coding-DNA position 41, A replaced by G.
Protein change: p.His14Arg; replaces histidine 14 with arginine.
Molecular consequence: missense variant.
Genome position (GRCh38, 1-based): chr2:166,311,716, T>C on the plus strand (A>G on the coding strand, the complement: SCN9A is on the minus strand). VCF-style: chr2-166311716-T-C. GRCh37 (hg19) VCF-style: chr2-167168226-T-C.
Other names: c.41A>G, p.His14Arg (NM_002977.4); short protein forms H14R.
Identifiers: ClinVar variation 2933085 (VCV002933085.3), dbSNP rs201000497, ClinGen allele CA349096237.

ClinVar aggregate classification (germline): Uncertain significance (1 of 4 stars; one submission).

Conditions:
Neuropathy, hereditary sensory and autonomic, type 2A (HSAN2A). Also called: ACROOSTEOLYSIS, GIACCAI TYPE; ACROOSTEOLYSIS, NEUROGENIC; WNK1-Related HSAN2 (HSAN2A); MORVAN DISEASE; NEUROPATHY, CONGENITAL SENSORY; NEUROPATHY, HEREDITARY SENSORY RADICULAR, AUTOSOMAL RECESSIVE. Identifiers: Orphanet 970, MedGen C2752089, MONDO:0024309, OMIM 201300.
Generalized epilepsy with febrile seizures plus, type 7 (GEFSP7). Also called: GEFS+, TYPE 7. Identifiers: Orphanet 36387, MedGen C2751778, MONDO:0013470, OMIM 613863.

gnomAD v4.1: 2 of 1,611,390 alleles (0.00012%); highest among the groups gnomAD compares: African/African-American, 0.0013%; no homozygotes.

Submission:

Labcorp Genetics (formerly Invitae), Labcorp
Classification: Uncertain significance for Neuropathy, hereditary sensory and autonomic, type 2A; Generalized epilepsy with febrile seizures plus, type 7. Last evaluated: 2023-11-22. Review status: criteria provided, single submitter. Criteria: Invitae Variant Classification Sherloc (09022015). Collection method: clinical testing. Allele origin: germline.
Comment: This sequence change replaces histidine, which is basic and polar, with arginine, which is basic and polar, at codon 14 of the SCN9A protein (p.His14Arg). This variant is not present in population databases (gnomAD no frequency). This variant has not been reported in the literature in individuals affected with SCN9A-related conditions. Algorithms developed to predict the effect of missense changes on protein structure and function output the following: SIFT: "Not Available"; PolyPhen-2: "Benign"; Align-GVGD: "Not Available". The arginine amino acid residue is found in multiple mammalian species, which suggests that this missense change does not adversely affect protein function. In summary, the available evidence is currently insufficient to determine the role of this variant in disease. Therefore, it has been classified as a Variant of Uncertain Significance.